The following is an entry in ClinVar:

NM_018368.4(LMBRD1):c.686G>A (p.Ser229Asn)

Gene: LMBRD1 (LMBR1 domain containing 1; minus strand). Cytogenetic location: 6q13.
Variant type: single nucleotide variant.
Coding change: c.686G>A on transcript NM_018368.4 (MANE Select); coding-DNA position 686, G replaced by A.
Protein change: p.Ser229Asn; replaces serine 229 with asparagine.
Molecular consequence: missense variant.
Genome position (GRCh38, 1-based): chr6:69,719,032, C>T on the plus strand (G>A on the coding strand, the complement: LMBRD1 is on the minus strand). VCF-style: chr6-69719032-C-T. GRCh37 (hg19) VCF-style: chr6-70428924-C-T.
Other names: c.467G>A, p.Ser156Asn (NM_001363722.2, NM_001367271.1, NM_001367272.1); short protein forms S229N, S156N.
Identifiers: ClinVar variation 2119659 (VCV002119659.4), dbSNP rs2481339093, ClinGen allele CA364668982.
Genomic context (GRCh38, chr6:69,719,032, plus strand): 5'-TGAATGTGTTGTTCTACTTCTTCAATGTCTTCAGTGTTTTCCAAACGTTCATAAGCAGCG[C>T]TTCTAGTGCCTTTTATCAGATTTAAAGGTAACGCAGACATGCCATAGGCCTAAAAGAAAA-3'
Protein context (NP_060838.3, residues 219-239): LPLNLIKGTR[Ser229Asn]AAYERLENTE

ClinVar aggregate classification (germline): Uncertain significance (1 of 4 stars; one submission).

Conditions:
Methylmalonic aciduria and homocystinuria type cblF. Also called: COBALAMIN F DISEASE; COBALAMIN, DEFECT IN LYSOSOMAL RELEASE OF; METHYLMALONIC ACIDEMIA AND HOMOCYSTINURIA, cblF TYPE; METHYLMALONIC ACIDURIA DUE TO VITAMIN B12-RELEASE DEFECT; VITAMIN B12 LYSOSOMAL RELEASE DEFECT; VITAMIN B12 STORAGE DISEASE. Identifiers: Orphanet 79284, MedGen C1848578, MONDO:0010183, OMIM 277380.

Allele frequency attached by ClinVar (database versions not stated): gnomAD exomes 0.00001.
gnomAD v4.1: 4 of 1,613,054 alleles (0.00025%); highest among the groups gnomAD compares: Non-Finnish European, 0.00025%; no homozygotes.

Submission:

Labcorp Genetics (formerly Invitae), Labcorp
Classification: Uncertain significance for Methylmalonic aciduria and homocystinuria type cblF. Last evaluated: 2022-04-03. Review status: criteria provided, single submitter. Criteria: Invitae Variant Classification Sherloc (09022015). Collection method: clinical testing. Allele origin: germline.
Comment: In summary, the available evidence is currently insufficient to determine the role of this variant in disease. Therefore, it has been classified as a Variant of Uncertain Significance. Algorithms developed to predict the effect of missense changes on protein structure and function output the following: SIFT: "Tolerated"; PolyPhen-2: "Benign"; Align-GVGD: "Class C0". The asparagine amino acid residue is found in multiple mammalian species, which suggests that this missense change does not adversely affect protein function. This variant has not been reported in the literature in individuals affected with LMBRD1-related conditions. This variant is not present in population databases (gnomAD no frequency). This sequence change replaces serine, which is neutral and polar, with asparagine, which is neutral and polar, at codon 229 of the LMBRD1 protein (p.Ser229Asn).